The following is an entry in ClinVar:

ClinVar aggregate classification (germline): Pathogenic (1 of 4 stars; one submission).

Submission:

Labcorp Genetics (formerly Invitae), Labcorp
Classification: Pathogenic. Last evaluated: 2024-07-03. Review status: criteria provided, single submitter. Criteria: Invitae Variant Classification Sherloc (09022015). Collection method: clinical testing. Allele origin: germline.
Comment: This sequence change creates a premature translational stop signal (p.His674Argfs*19) in the TONSL gene. It is expected to result in an absent or disrupted protein product. Loss-of-function variants in TONSL are known to be pathogenic (PMID: 30773277). The frequency data for this variant in the population databases is considered unreliable, as metrics indicate poor data quality at this position in the gnomAD database. This variant has not been reported in the literature in individuals affected with TONSL-related conditions. For these reasons, this variant has been classified as Pathogenic.

Literature cited by the submitters: PubMed 30773277.

NM_013432.5(TONSL):c.2020_2029del (p.His674fs)

Genes: TONSL (tonsoku like, DNA repair protein; minus strand), TONSL-AS1 (TONSL antisense RNA 1; plus strand). Cytogenetic location: 8q24.3.
Variant type: Deletion.
Coding change: c.2020_2029del on transcript NM_013432.5 (MANE Select); coding-DNA positions 2020 to 2029, 10 bases deleted (CACAGCTCCC; older notation c.2020_2029delCACAGCTCCC).
Protein change: p.His674fs; shifts the reading frame from histidine 674.
Molecular consequence: frameshift variant.
Genome position (GRCh38, 1-based): chr8:144,436,404-144,436,413, GGGAGCTGTG deleted on the plus strand (CACAGCTCCC on the coding strand, the reverse complement: TONSL is on the minus strand); deleting any 10 consecutive bases within chr8:144,436,404-144,436,417 gives the same sequence; the c. name uses the placement nearest the transcript's 3' end. VCF-style (leftmost placement, unchanged base first): chr8-144436403-TGGGAGCTGTG-T. GRCh37 (hg19) VCF-style: chr8-145661786-TGGGAGCTGTG-T.
Other names: short protein forms H674fs.
Identifiers: ClinVar variation 3676586 (VCV003676586.2).